The following is an entry in ClinVar:

ClinVar aggregate classification (germline): Uncertain significance (1 of 4 stars; one submission).

Conditions:
Inborn genetic diseases. Identifiers: MedGen C0950123, MeSH D030342.

Submission:

Ambry Genetics
Classification: Uncertain significance for Inborn genetic diseases. Last evaluated: 2026-07-06. Review status: criteria provided, single submitter. Criteria: Ambry Variant Classification Scheme 2023. Collection method: clinical testing. Allele origin: germline.
Comment: The p.V203D variant (also known as c.608T>A), located in coding exon 5 of the CACNA1S gene, results from a T to A substitution at nucleotide position 608. The valine at codon 203 is replaced by aspartic acid, an amino acid with highly dissimilar properties. This amino acid position is conserved. In addition, this alteration is predicted to be deleterious by in silico analysis. Based on the available evidence, the clinical significance of this variant remains unclear.

NM_000069.3(CACNA1S):c.608T>A (p.Val203Asp)

Gene: CACNA1S (calcium voltage-gated channel subunit alpha1 S; minus strand). Cytogenetic location: 1q32.1.
Variant type: single nucleotide variant.
Coding change: c.608T>A on transcript NM_000069.3 (MANE Select); coding-DNA position 608, T replaced by A.
Protein change: p.Val203Asp; replaces valine 203 with aspartic acid.
Molecular consequence: missense variant.
Genome position (GRCh38, 1-based): chr1:201,091,726, A>T on the plus strand (T>A on the coding strand, the complement: CACNA1S is on the minus strand). VCF-style: chr1-201091726-A-T. GRCh37 (hg19) VCF-style: chr1-201060854-A-T.
Other names: short protein forms V203D.
Identifiers: ClinVar variation 5033623 (VCV005033623.1).